The following is an entry in ClinVar:

NM_000501.4(ELN):c.1054C>G (p.Pro352Ala)

Gene: ELN (elastin; plus strand). Cytogenetic location: 7q11.23.
Variant type: single nucleotide variant.
Coding change: c.1054C>G on transcript NM_000501.4 (MANE Select); coding-DNA position 1054, C replaced by G.
Protein change: p.Pro352Ala; replaces proline 352 with alanine.
Molecular consequence: missense variant.
Genome position (GRCh38, 1-based): chr7:74,053,267, C>G. VCF-style: chr7-74053267-C-G. GRCh37 (hg19) VCF-style: chr7-73467597-C-G.
Other names: c.1024C>G, p.Pro342Ala (NM_001081752.3, NM_001278917.2); c.1069C>G, p.Pro357Ala (NM_001081753.3, NM_001081754.3); c.1054C>G, p.Pro352Ala (NM_001081755.3, NM_001278912.2, NM_001278915.2 and 1 more transcripts); c.946C>G, p.Pro316Ala (NM_001278913.2); c.1039C>G, p.Pro347Ala (NM_001278914.2); c.1012C>G, p.Pro338Ala (NM_001278916.2); c.922C>G, p.Pro308Ala (NM_001278918.2); short protein forms P352A, P357A, P347A, P308A, P316A, P338A, P342A.
Identifiers: ClinVar variation 2097496 (VCV002097496.4), dbSNP rs2485892834, ClinGen allele CA367871989.

ClinVar aggregate classification (germline): Uncertain significance (1 of 4 stars; one submission).

Conditions:
Supravalvar aortic stenosis (SVAS). Also called: Supravalvar aortic stenosis, Eisenberg type. Identifiers: Orphanet 3193, MedGen C0003499, MONDO:0008504, OMIM 185500, HP:0004381.

Submission:

Labcorp Genetics (formerly Invitae), Labcorp
Classification: Uncertain significance for Supravalvar aortic stenosis. Last evaluated: 2022-02-13. Review status: criteria provided, single submitter. Criteria: Invitae Variant Classification Sherloc (09022015). Collection method: clinical testing. Allele origin: germline.
Comment: This variant has not been reported in the literature in individuals affected with ELN-related conditions. This variant is not present in population databases (gnomAD no frequency). This sequence change replaces proline, which is neutral and non-polar, with alanine, which is neutral and non-polar, at codon 352 of the ELN protein (p.Pro352Ala). Algorithms developed to predict the effect of missense changes on protein structure and function are either unavailable or do not agree on the potential impact of this missense change (SIFT: "Deleterious"; PolyPhen-2: "Not Available"; Align-GVGD: "Class C0"). In summary, the available evidence is currently insufficient to determine the role of this variant in disease. Therefore, it has been classified as a Variant of Uncertain Significance.